The following is an entry in ClinVar:

ClinVar aggregate classification (germline): Uncertain significance. Review status: criteria provided, multiple submitters, no conflicts (2 of 4 stars). 3 submissions from 3 submitters: Uncertain significance (2). 1 of the submissions does not count toward it. Last evaluated 2024-10-20.

Conditions:
Cortical dysplasia, complex, with other brain malformations 10. Identifiers: MedGen C5231458, MONDO:0032866, OMIM 618677.

Submissions (3):

Labcorp Genetics (formerly Invitae), Labcorp
Classification: Uncertain significance. Last evaluated: 2024-10-20. Review status: criteria provided, single submitter. Criteria: Invitae Variant Classification Sherloc (09022015). Collection method: clinical testing. Allele origin: germline.
Comment: This sequence change replaces serine, which is neutral and polar, with leucine, which is neutral and non-polar, at codon 108 of the APC2 protein (p.Ser108Leu). This variant is present in population databases (no rsID available, gnomAD 0.04%). This variant has not been reported in the literature in individuals affected with APC2-related conditions. ClinVar contains an entry for this variant (Variation ID: 591864). An algorithm developed to predict the effect of missense changes on protein structure and function (PolyPhen-2) suggests that this variant¬†is likely to be tolerated. In summary, the available evidence is currently insufficient to determine the role of this variant in disease. Therefore, it has been classified as a Variant of Uncertain Significance.

Victorian Clinical Genetics Services, Murdoch Childrens Research Institute
Classification: Uncertain significance for Cortical dysplasia, complex, with other brain malformations 10. Last evaluated: 2022-02-02. Review status: criteria provided, single submitter. Criteria: ACMG Guidelines, 2015. Collection method: clinical testing. Allele origin: germline. Inheritance: Autosomal recessive inheritance.
Comment: Based on the classification scheme VCGS_Germline_v1.3.4, this variant is classified as VUS-3C. Following criteria are met: 0102 - Loss of function is a known mechanism of disease in this gene and is associated with cortical dysplasia, complex, with other brain malformations 10 (MIM#618677). (I) 0106 - This gene is associated with autosomal recessive disease. (I) 0115 - Variants in this gene are known to have variable expressivity. Intra-familial varibility has been reported (PMID: 31585108). (I) 0200 - Variant is predicted to result in a missense amino acid change from serine to leucine. (I) 0251 - This variant is heterozygous. (I) 0304 - Variant is present in gnomAD <0.01 for a recessive condition (v3: 19 heterozygotes, 1 homozygote). (SP) 0309 - An alternative amino acid change at the same position has been observed in gnomAD (v2: 2 heterozygotes, 0 homozygotes). (I) 0502 - Missense variant with conflicting in silico predictions and uninformative conservation. (I) 0604 - Variant is not located in an established domain, motif, hotspot or informative constraint region. (I) 0705 - No comparable missense variants have previous evidence for pathogenicity. (I) 0807 - This variant has no previous evidence of pathogenicity. (I) 0905 - No published segregation evidence has been identified for this variant. (I) 1007 - No published functional evidence has been identified for this variant. (I) 1208 - Inheritance information for this variant is not currently available in this individual. (I) Legend: (SP) - Supporting pathogenic, (I) - Information, (SB) - Supporting benign

Gharavi Laboratory, Columbia University
Classification: Uncertain significance. Last evaluated: 2018-09-16. Review status: no assertion criteria provided. Criteria: ACMG Guidelines, 2015. Collection method: research. Allele origin: germline. Affected: yes. Not counted in ClinVar's aggregate classification.

Literature cited by the submitters: PubMed 31585108 (cited by Victorian Clinical Genetics Services, Murdoch Childrens Research Institute).

NM_005883.3(APC2):c.322_323inv (p.Ser108Leu)

Gene: APC2 (APC regulator of WNT signaling pathway 2; plus strand). Cytogenetic location: 19p13.3.
Variant type: Inversion.
Coding change: c.322_323inv on transcript NM_005883.3 (MANE Select).
Protein change: p.Ser108Leu; replaces serine 108 with leucine.
Molecular consequence: missense variant.
Genome position: GRCh38 VCF-style: chr19-1453520-AG-CT. GRCh37 (hg19) VCF-style: chr19-1453519-AG-CT.
Other names: c.322_323inv, p.Ser108Leu (NM_001351273.1); short protein forms S108L.
Identifiers: ClinVar variation 591864 (VCV000591864.6), ClinGen allele CA891862966.